The following is an entry in ClinVar:

ClinVar aggregate classification (germline): Likely benign. Review status: criteria provided, multiple submitters, no conflicts (2 of 4 stars). 3 submissions from 3 submitters: Likely benign (3). Last evaluated 2025-03-01.

Conditions:
Neuroblastoma, susceptibility to, 3. Also called: ALK-Related Neuroblastic Tumor Susceptibility. Identifiers: Orphanet 635, MedGen C2751681, MONDO:0013083, OMIM 613014.
Hereditary cancer-predisposing syndrome. Also called: Hereditary Cancer Syndrome; Neoplastic Syndromes, Hereditary; Hereditary neoplastic syndrome; Tumor predisposition. Identifiers: Orphanet 140162, MedGen C0027672, MeSH D009386, MONDO:0015356.

Allele frequency attached by ClinVar (database versions not stated): gnomAD below 0.00001 and 0.00001; gnomAD exomes below 0.00001.
gnomAD v4.1: 6 of 1,613,242 alleles (0.00037%); highest among the groups gnomAD compares: African/African-American, 0.0013%; no homozygotes.

Submissions (3):

CeGaT Center for Human Genetics Tuebingen
Classification: Likely benign. Last evaluated: 2025-03-01. Review status: criteria provided, single submitter. Criteria: CeGaT Center For Human Genetics Tuebingen Variant Classification Criteria Version 2. Collection method: clinical testing. Allele origin: germline. Affected: yes. Observed: 1 variant allele.
Comment: ALK: BP4, BP7

Labcorp Genetics (formerly Invitae), Labcorp
Classification: Likely benign for Neuroblastoma, susceptibility to, 3. Last evaluated: 2024-02-13. Review status: criteria provided, single submitter. Criteria: Invitae Variant Classification Sherloc (09022015). Collection method: clinical testing. Allele origin: germline.

Ambry Genetics
Classification: Likely benign for Hereditary cancer-predisposing syndrome. Last evaluated: 2023-09-04. Review status: criteria provided, single submitter. Criteria: Ambry Variant Classification Scheme 2023. Collection method: clinical testing. Allele origin: germline.

NM_004304.5(ALK):c.474C>T (p.Pro158=)

Gene: ALK (ALK receptor tyrosine kinase; minus strand). Cytogenetic location: 2p23.1.
Variant type: single nucleotide variant.
Coding change: c.474C>T on transcript NM_004304.5 (MANE Select); coding-DNA position 474, C replaced by T.
Protein change: p.Pro158=; no amino-acid change (proline 158 retained).
Molecular consequence: synonymous variant.
Genome position (GRCh38, 1-based): chr2:29,920,186, G>A on the plus strand (C>T on the coding strand, the complement: ALK is on the minus strand). VCF-style: chr2-29920186-G-A. GRCh37 (hg19) VCF-style: chr2-30143052-G-A.
Identifiers: ClinVar variation 741701 (VCV000741701.16), dbSNP rs1298233277, ClinGen allele CA425626984.